The following is an entry in ClinVar:

NM_001330700.2(TOP2B):c.2366T>C (p.Ile789Thr)

Gene: TOP2B (DNA topoisomerase II beta; minus strand). Cytogenetic location: 3p24.2.
Variant type: single nucleotide variant.
Coding change: c.2366T>C on transcript NM_001330700.2 (MANE Select); coding-DNA position 2366, T replaced by C.
Protein change: p.Ile789Thr; replaces isoleucine 789 with threonine.
Molecular consequence: missense variant.
Genome position (GRCh38, 1-based): chr3:25,624,426, A>G on the plus strand (T>C on the coding strand, the complement: TOP2B is on the minus strand). VCF-style: chr3-25624426-A-G. GRCh37 (hg19) VCF-style: chr3-25665917-A-G.
Other names: c.2351T>C, p.Ile784Thr (NM_001068.3); short protein forms I784T, I789T.
Identifiers: ClinVar variation 1328168 (VCV001328168.7), dbSNP rs762212071, ClinGen allele CA2288498.

ClinVar aggregate classification (germline): Uncertain significance. Review status: criteria provided, multiple submitters, no conflicts (2 of 4 stars). 2 submissions from 2 submitters: Uncertain significance (2). Last evaluated 2023-08-07.

Conditions:
B-cell immunodeficiency, distal limb anomalies, and urogenital malformations. Also called: HOFFMAN SYNDROME; BILU SYNDROME. Identifiers: Orphanet 567502, MedGen C1836437, MONDO:0012243, OMIM 609296.

Allele frequency attached by ClinVar (database versions not stated): gnomAD exomes 0.00001; ExAC 0.00002.

Submissions (2):

Labcorp Genetics (formerly Invitae), Labcorp
Classification: Uncertain significance. Last evaluated: 2023-08-07. Review status: criteria provided, single submitter. Criteria: Invitae Variant Classification Sherloc (09022015). Collection method: clinical testing. Allele origin: germline.
Comment: This variant is present in population databases (rs762212071, gnomAD 0.009%). This sequence change replaces isoleucine, which is neutral and non-polar, with threonine, which is neutral and polar, at codon 784 of the TOP2B protein (p.Ile784Thr). This variant has not been reported in the literature in individuals affected with TOP2B-related conditions. ClinVar contains an entry for this variant (Variation ID: 1328168). An algorithm developed to predict the effect of missense changes on protein structure and function (PolyPhen-2) suggests that this variant is likely to be disruptive. In summary, the available evidence is currently insufficient to determine the role of this variant in disease. Therefore, it has been classified as a Variant of Uncertain Significance.

Illumina Laboratory Services, Illumina
Classification: Uncertain significance for B-cell immunodeficiency, distal limb anomalies, and urogenital malformations. Last evaluated: 2021-10-20. Review status: criteria provided, single submitter. Criteria: ICSLVariantClassificationCriteria RUGD 01 April 2020. Collection method: clinical testing. Allele origin: unknown.
Comment: The TOP2B c.2366T>C (p.Ile789Thr) variant is a missense variant. A literature search was performed for the gene, cDNA change, and amino acid change. No publications were found based on this search. This variant is reported at a frequency of 0.000093 in the European (Finnish) population of the Genome Aggregation Database, version 2.1.1, though this is based on two alleles in a region of good sequence coverage so the variant is presumed to be rare. Based on the limited evidence the p.Ile789Thr variant is classified as a variant of uncertain significance for B-cell immunodeficiency-limb anomaly-urogenital malformation syndrome.